The following is an entry in ClinVar:

NM_001378615.1(CC2D2A):c.3595-22C>T

Genes: CC2D2A (coiled-coil and C2 domain containing 2A; plus strand), FBXL5 (F-box and leucine rich repeat protein 5; minus strand). Cytogenetic location: 4p15.32.
Variant type: single nucleotide variant.
Coding change: c.3595-22C>T on transcript NM_001378615.1 (MANE Select); 22 bases into the intron before coding-DNA position 3595, C replaced by T.
Molecular consequence: intron variant.
Genome position (GRCh38, 1-based): chr4:15,574,128, C>T. VCF-style: chr4-15574128-C-T. GRCh37 (hg19) VCF-style: chr4-15575751-C-T.
Other names: p.?; c.3595-22C>T (NM_001080522.2); c.3448-22C>T (NM_001378617.1).
Identifiers: ClinVar variation 126241 (VCV000126241.12), dbSNP rs4280724, ClinGen allele CA150874.

ClinVar aggregate classification (germline): Benign. Review status: criteria provided, multiple submitters, no conflicts (2 of 4 stars). 7 submissions from 6 submitters: Benign (6). 1 of the submissions does not count toward it. Last evaluated 2022-05-05.

Conditions:
Meckel syndrome, type 6. Identifiers: Orphanet 564, MedGen C2676790, MONDO:0012848, OMIM 612284.
Joubert syndrome 9 (JBTS9). Identifiers: Orphanet 2318, MedGen C2676788, MONDO:0012849, OMIM 612285.

Allele frequency attached by ClinVar (database versions not stated): TOPMed 0.25708; gnomAD 0.26375 and 0.26743; ESP Exome Variant Server 0.26785; 1000 Genomes Project 30x 0.27842; gnomAD exomes 0.28375 and 0.28492; 1000 Genomes Project 0.28634; ExAC 0.32523.
gnomAD v4.1: 429,200 of 1,514,516 alleles (28%); highest among the groups gnomAD compares: East Asian, 44%; 62,265 homozygotes.

Submissions (7):

Mayo Clinic Laboratories, Mayo Clinic
Classification: Benign. Last evaluated: 2022-05-05. Review status: criteria provided, single submitter. Criteria: ACMG Guidelines, 2015. Collection method: clinical testing. Allele origin: germline. Observed: 229 variant alleles.

Genome-Nilou Lab
Classification: Benign for Joubert syndrome 9. Last evaluated: 2021-07-14. Review status: criteria provided, single submitter. Criteria: ACMG Guidelines, 2015. Collection method: clinical testing. Allele origin: germline. Affected: no.

Genome-Nilou Lab
Classification: Benign for Meckel syndrome, type 6. Last evaluated: 2021-07-14. Review status: criteria provided, single submitter. Criteria: ACMG Guidelines, 2015. Collection method: clinical testing. Allele origin: germline. Affected: no.

GeneDx
Classification: Benign. Last evaluated: 2018-06-14. Review status: criteria provided, single submitter. Criteria: GeneDx Variant Classification (06012015). Collection method: clinical testing. Allele origin: germline. Affected: yes.
Comment: This variant is considered likely benign or benign based on one or more of the following criteria: it is a conservative change, it occurs at a poorly conserved position in the protein, it is predicted to be benign by multiple in silico algorithms, and/or has population frequency not consistent with disease.

Breakthrough Genomics
Classification: Benign. Review status: criteria provided, single submitter. Criteria: ACMG Guidelines, 2015. Collection method: not provided. Allele origin: germline. Inheritance: Autosomal recessive inheritance. Affected: yes.

PreventionGenetics, part of Exact Sciences
Classification: Benign. Review status: criteria provided, single submitter. Criteria: ACMG Guidelines, 2015. Collection method: clinical testing. Allele origin: germline.

Genetic Services Laboratory, University of Chicago
Classification: Likely benign for AllHighlyPenetrant. Review status: no assertion criteria provided. Collection method: clinical testing. Allele origin: germline. Inheritance: Autosomal recessive inheritance. Observed: 169 variant alleles. Not counted in ClinVar's aggregate classification.
Comment: Likely benign based on allele frequency in 1000 Genomes Project or ESP global frequency and its presence in a patient with a rare or unrelated disease phenotype. NOT Sanger confirmed.